The following is an entry in ClinVar:

NM_001267550.2(TTN):c.81017G>T (p.Ser27006Ile)

Genes: TTN (titin; minus strand), TTN-AS1 (TTN antisense RNA 1; plus strand). Cytogenetic location: 2q31.2.
Variant type: single nucleotide variant.
Coding change: c.81017G>T on transcript NM_001267550.2 (MANE Select); coding-DNA position 81017, G replaced by T.
Protein change: p.Ser27006Ile; replaces serine 27006 with isoleucine.
Molecular consequence: missense variant.
Genome position (GRCh38, 1-based): chr2:178,565,115, C>A on the plus strand (G>T on the coding strand, the complement: TTN is on the minus strand). VCF-style: chr2-178565115-C-A. GRCh37 (hg19) VCF-style: chr2-179429842-C-A.
Other names: c.76094G>T, p.Ser25365Ile (NM_001256850.1); c.53822G>T, p.Ser17941Ile (NM_003319.4); c.73313G>T, p.Ser24438Ile (NM_133378.4); c.54197G>T, p.Ser18066Ile (NM_133432.3); c.54398G>T, p.Ser18133Ile (NM_133437.4); c.81017G>T (NM_001267550.1); short protein forms S24438I, S27006I, S25365I, S17941I, S18066I, S18133I.
Identifiers: ClinVar variation 332763 (VCV000332763.6), dbSNP rs886055241, ClinGen allele CA10612033.

ClinVar aggregate classification (germline): Uncertain significance. Review status: criteria provided, multiple submitters, no conflicts (2 of 4 stars). 6 submissions from 2 submitters: Uncertain significance (6). Last evaluated 2024-08-20.

Conditions:
Dilated cardiomyopathy 1G (CMD1G). Identifiers: Orphanet 154, MedGen C1858763, MONDO:0011400, OMIM 604145.
Myopathy, myofibrillar, 9, with early respiratory failure (MFM9). Also called: Myopathy, distal, with early respiratory failure, autosomal dominant; Hereditary myopathy with early respiratory failure; EDSTROM MYOPATHY; MYOPATHY, PROXIMAL, WITH EARLY RESPIRATORY MUSCLE INVOLVEMENT. Identifiers: Orphanet 178464, Orphanet 34521, MedGen C1863599, MONDO:0011362, OMIM 603689.
Early-onset myopathy with fatal cardiomyopathy (CMYO5). Also called: CONGENITAL MYOPATHY 5 WITH CARDIOMYOPATHY; Salih Myopathy. Identifiers: Orphanet 289377, MedGen C2673677, MONDO:0012714, OMIM 611705. Disease mechanism: loss of function.
Autosomal recessive limb-girdle muscular dystrophy type 2J (LGMDR10). Also called: MUSCULAR DYSTROPHY, LIMB-GIRDLE, AUTOSOMAL RECESSIVE 10; Limb-girdle muscular dystrophy, type 2J. Identifiers: Orphanet 140922, MedGen C1837342, MONDO:0012127, OMIM 608807.
Tibial muscular dystrophy (TMD). Also called: Udd Distal Myopathy – Tibial Muscular Dystrophy; UDD MYOPATHY; Tibial muscular dystrophy, tardive. Identifiers: Orphanet 609, MedGen C1838244, MONDO:0010870, OMIM 600334.

Allele frequency attached by ClinVar (database versions not stated): gnomAD exomes below 0.00001.
gnomAD v4.1: 1 of 1,613,512 alleles (0.000062%); highest among the groups gnomAD compares: Non-Finnish European, 0.000085%; no homozygotes.

Submissions (6):

GeneDx
Classification: Uncertain significance. Last evaluated: 2024-08-20. Review status: criteria provided, single submitter. Criteria: GeneDx Variant Classification Process June 2021. Collection method: clinical testing. Allele origin: germline. Affected: yes.
Comment: Not observed at significant frequency in large population cohorts (gnomAD); Missense variant in a gene in which most reported pathogenic variants are truncating/loss of function; Has not been previously published as pathogenic or benign to our knowledge

Illumina Laboratory Services, Illumina
Classification: Uncertain significance for Myopathy, myofibrillar, 9, with early respiratory failure. Last evaluated: 2018-01-13. Review status: criteria provided, single submitter. Criteria: ICSL Variant Classification Criteria 13 December 2019. Collection method: clinical testing. Allele origin: germline.

Illumina Laboratory Services, Illumina
Classification: Uncertain significance for Early-onset myopathy with fatal cardiomyopathy. Last evaluated: 2018-01-13. Review status: criteria provided, single submitter. Criteria: ICSL Variant Classification Criteria 13 December 2019. Collection method: clinical testing. Allele origin: germline.

Illumina Laboratory Services, Illumina
Classification: Uncertain significance for Dilated cardiomyopathy 1G. Last evaluated: 2018-01-13. Review status: criteria provided, single submitter. Criteria: ICSL Variant Classification Criteria 13 December 2019. Collection method: clinical testing. Allele origin: germline.

Illumina Laboratory Services, Illumina
Classification: Uncertain significance for Autosomal recessive limb-girdle muscular dystrophy type 2J. Last evaluated: 2018-01-13. Review status: criteria provided, single submitter. Criteria: ICSL Variant Classification Criteria 13 December 2019. Collection method: clinical testing. Allele origin: germline.

Illumina Laboratory Services, Illumina
Classification: Uncertain significance for Tibial muscular dystrophy. Last evaluated: 2018-01-13. Review status: criteria provided, single submitter. Criteria: ICSL Variant Classification Criteria 13 December 2019. Collection method: clinical testing. Allele origin: germline.